The following is an entry in ClinVar:

ClinVar aggregate classification (germline): Uncertain significance (1 of 4 stars; one submission).

Allele frequency attached by ClinVar (database versions not stated): gnomAD exomes below 0.00001 and 0.00001; gnomAD 0.00001; TOPMed 0.00001.
gnomAD v4.1: 2 of 1,303,110 alleles (0.00015%); highest among the groups gnomAD compares: Non-Finnish European, 0.0002%; no homozygotes.

Submission:

Labcorp Genetics (formerly Invitae), Labcorp
Classification: Uncertain significance. Last evaluated: 2021-10-09. Review status: criteria provided, single submitter. Criteria: Invitae Variant Classification Sherloc (09022015). Collection method: clinical testing. Allele origin: germline.
Comment: Algorithms developed to predict the effect of missense changes on protein structure and function are either unavailable or do not agree on the potential impact of this missense change (SIFT: "Tolerated"; PolyPhen-2: "Not Available"; Align-GVGD: "Class C0"). This sequence change replaces alanine with threonine at codon 1009 of the ERCC6L2 protein (p.Ala1009Thr). The alanine residue is weakly conserved and there is a small physicochemical difference between alanine and threonine. The frequency data for this variant in the population databases is considered unreliable, as metrics indicate insufficient coverage at this position in the ExAC database. This variant has not been reported in the literature in individuals affected with ERCC6L2-related conditions. In summary, the available evidence is currently insufficient to determine the role of this variant in disease. Therefore, it has been classified as a Variant of Uncertain Significance.

NM_020207.7(ERCC6L2):c.2992G>A (p.Ala998Thr)

Gene: ERCC6L2 (ERCC excision repair 6 like 2; plus strand). Cytogenetic location: 9q22.32.
Variant type: single nucleotide variant.
Coding change: c.2992G>A on transcript NM_020207.7 (MANE Select); coding-DNA position 2992, G replaced by A.
Protein change: p.Ala998Thr; replaces alanine 998 with threonine.
Molecular consequence: missense variant. On other transcripts: non-coding transcript variant (1).
Genome position (GRCh38, 1-based): chr9:95,972,743, G>A. VCF-style: chr9-95972743-G-A. GRCh37 (hg19) VCF-style: chr9-98735025-G-A.
Other names: c.2992G>A, p.Ala998Thr (NM_001375291.1, NM_001375292.1, NM_001375293.1 and 1 more transcripts); short protein forms A998T.
Identifiers: ClinVar variation 1448085 (VCV001448085.6), dbSNP rs1176858262, ClinGen allele CA589285451.